The following is an entry in ClinVar:

NM_173565.5(RSPH10B):c.663T>C (p.Tyr221=)

Gene: RSPH10B (radial spoke head 10 homolog B; minus strand). Cytogenetic location: 7p22.1.
Variant type: single nucleotide variant.
Coding change: c.663T>C on transcript NM_173565.5 (MANE Select); coding-DNA position 663, T replaced by C.
Protein change: p.Tyr221=; no amino-acid change (tyrosine 221 retained).
Molecular consequence: synonymous variant.
Genome position (GRCh38, 1-based): chr7:5,958,024, A>G on the plus strand (T>C on the coding strand, the complement: RSPH10B is on the minus strand). VCF-style: chr7-5958024-A-G. GRCh37 (hg19) VCF-style: chr7-5997655-A-G.
Identifiers: ClinVar variation 4533919 (VCV004533919.6).

ClinVar aggregate classification (germline): Likely benign (1 of 4 stars; one submission).

Submission:

CeGaT Center for Human Genetics Tuebingen
Classification: Likely benign. Last evaluated: 2025-11-01. Review status: criteria provided, single submitter. Criteria: CeGaT Center For Human Genetics Tuebingen Variant Classification Criteria Version 2. Collection method: clinical testing. Allele origin: germline. Affected: yes. Observed: 1 variant allele.
Comment: RSPH10B: BP4, BP7